The following is an entry in ClinVar:

NM_001136157.2(OTUD5):c.1240C>T (p.Arg414Cys)

Gene: OTUD5 (OTU deubiquitinase 5; minus strand). Cytogenetic location: Xp11.23.
Variant type: single nucleotide variant.
Coding change: c.1240C>T on transcript NM_001136157.2 (MANE Select); coding-DNA position 1240, C replaced by T.
Protein change: p.Arg414Cys; replaces arginine 414 with cysteine.
Molecular consequence: missense variant.
Genome position (GRCh38, 1-based): chrX:48,925,870, G>A on the plus strand (C>T on the coding strand, the complement: OTUD5 is on the minus strand). VCF-style: chrX-48925870-G-A. GRCh37 (hg19) VCF-style: chrX-48783146-G-A.
Other names: c.1240C>T, p.Arg414Cys (NM_001136158.2); c.589C>T, p.Arg197Cys (NM_001136159.2); c.1255C>T, p.Arg419Cys (NM_017602.4); short protein forms R197C, R414C, R419C.
Identifiers: ClinVar variation 2217476 (VCV002217476.2), dbSNP rs782489641, ClinGen allele CA10406492.

ClinVar aggregate classification (germline): Uncertain significance (1 of 4 stars; one submission).

Conditions:
Inborn genetic diseases. Identifiers: MedGen C0950123, MeSH D030342.

gnomAD v4.1: 16 of 1,210,180 alleles (0.0013%); highest among the groups gnomAD compares: South Asian, 0.0018%; no homozygotes.

Submission:

Ambry Genetics
Classification: Uncertain significance for Inborn genetic diseases. Last evaluated: 2021-09-14. Review status: criteria provided, single submitter. Criteria: Ambry Variant Classification Scheme 2023. Collection method: clinical testing. Allele origin: germline.
Comment: The c.1255C>T (p.R419C) alteration is located in exon 6 (coding exon 6) of the OTUD5 gene. This alteration results from a C to T substitution at nucleotide position 1255, causing the arginine (R) at amino acid position 419 to be replaced by a cysteine (C). This variant was not reported in population-based cohorts in the Genome Aggregation Database (gnomAD). This amino acid position is highly conserved in available vertebrate species. The in silico prediction for this alteration is inconclusive. Based on insufficient or conflicting evidence, the clinical significance of this alteration remains unclear.